The following is an entry in ClinVar:

ClinVar aggregate classification (germline): Likely benign (1 of 4 stars; one submission).

Conditions:
DARS1-related disorder. Also called: DARS1-related condition.

Submission:

PreventionGenetics, part of Exact Sciences
Classification: Likely benign for DARS1-related condition. Last evaluated: 2026-03-06. Review status: criteria provided, single submitter. Criteria: ACMG Guidelines, 2015. Collection method: clinical testing. Allele origin: germline.
Comment: This variant is classified as likely benign based on ACMG/AMP sequence variant interpretation guidelines (Richards et al. 2015 PMID: 25741868, with internal and published modifications).

NM_001349.4(DARS1):c.384A>G (p.Gly128=)

Gene: DARS1 (aspartyl-tRNA synthetase 1; minus strand). Cytogenetic location: 2q21.3.
Variant type: single nucleotide variant.
Coding change: c.384A>G on transcript NM_001349.4 (MANE Select); coding-DNA position 384, A replaced by G.
Protein change: p.Gly128=; no amino-acid change (glycine 128 retained).
Molecular consequence: synonymous variant.
Genome position (GRCh38, 1-based): chr2:135,943,417, T>C on the plus strand (A>G on the coding strand, the complement: DARS1 is on the minus strand). VCF-style: chr2-135943417-T-C. GRCh37 (hg19) VCF-style: chr2-136700987-T-C.
Other names: c.84A>G, p.Gly28= (NM_001293312.1).
Identifiers: ClinVar variation 4993377 (VCV004993377.1).